The following is an entry in ClinVar:

NM_000083.3(CLCN1):c.2647C>A (p.Pro883Thr)

Gene: CLCN1 (chloride voltage-gated channel 1; plus strand). Cytogenetic location: 7q34.
Variant type: single nucleotide variant.
Coding change: c.2647C>A on transcript NM_000083.3 (MANE Select); coding-DNA position 2647, C replaced by A.
Protein change: p.Pro883Thr; replaces proline 883 with threonine.
Molecular consequence: missense variant. On other transcripts: non-coding transcript variant (1).
Genome position (GRCh38, 1-based): chr7:143,351,645, C>A. VCF-style: chr7-143351645-C-A. GRCh37 (hg19) VCF-style: chr7-143048738-C-A.
Other names: short protein forms P883T.
Identifiers: ClinVar variation 943263 (VCV000943263.3), dbSNP rs764347321, ClinGen allele CA4537760.

ClinVar aggregate classification (germline): Uncertain significance. Review status: criteria provided, multiple submitters, no conflicts (2 of 4 stars). 2 submissions from 2 submitters: Uncertain significance (2). Last evaluated 2025-05-06.

Conditions:
Congenital myotonia, autosomal dominant form (THD). Also called: THOMSEN DISEASE; Myotonia congenita autosomal dominant. Identifiers: Orphanet 614, MedGen C2936781, MONDO:0008055, OMIM 160800.
Congenital myotonia, autosomal recessive form. Also called: Becker Generalized Myotonia; myotonia congenita, autosomal recessive; BECKER DISEASE. Identifiers: Orphanet 614, MedGen C0751360, MONDO:0009715, OMIM 255700.

Allele frequency attached by ClinVar (database versions not stated): gnomAD exomes 0.00001 and 0.00002; ExAC 0.00002.
gnomAD v4.1: 13 of 1,614,218 alleles (0.00081%); highest among the groups gnomAD compares: South Asian, 0.013%; 1 homozygote.

Submissions (2):

Women's Health and Genetics/Laboratory Corporation of America, LabCorp
Classification: Uncertain significance. Last evaluated: 2025-05-06. Review status: criteria provided, single submitter. Criteria: LabCorp Variant Classification Summary - May 2015. Collection method: clinical testing. Allele origin: germline.
Comment: Variant summary: CLCN1 c.2647C>A (p.Pro883Thr) results in a non-conservative amino acid change in the encoded protein sequence. Algorithms developed to predict the effect of missense changes on protein structure and function all suggest that this variant is likely to be disruptive. The variant allele was found at a frequency of 1.6e-05 in 248788 control chromosomes (gnomAD). The available data on variant occurrences in the general population are insufficient to allow any conclusion about variant significance. c.2647C>A has been observed in individuals affected with Myotonia congenita (Fialho_2007, Altamura_2018, Suetterlin_2022, Vivekanandam_2023). These reports do not provide unequivocal conclusions about association of the variant with Myotonia congenita. At least one publication reports experimental evidence evaluating an impact on protein function and this variant affected the CLCN1 protein function (Altamura_2018). The following publications have been ascertained in the context of this evaluation (PMID: 29935101, 17932099, 34529042, 36796140). ClinVar contains an entry for this variant (Variation ID: 943263). Based on the evidence outlined above, the variant was classified as uncertain significance.

Labcorp Genetics (formerly Invitae), Labcorp
Classification: Uncertain significance for Congenital myotonia, autosomal recessive form; Congenital myotonia, autosomal dominant form. Last evaluated: 2023-11-28. Review status: criteria provided, single submitter. Criteria: Invitae Variant Classification Sherloc (09022015). Collection method: clinical testing. Allele origin: germline.
Comment: This sequence change replaces proline, which is neutral and non-polar, with threonine, which is neutral and polar, at codon 883 of the CLCN1 protein (p.Pro883Thr). This variant is present in population databases (rs764347321, gnomAD 0.01%). This missense change has been observed in individual(s) with clinical features of myotonia congenita (PMID: 17932099, 29935101, 34529042). ClinVar contains an entry for this variant (Variation ID: 943263). Advanced modeling of protein sequence and biophysical properties (such as structural, functional, and spatial information, amino acid conservation, physicochemical variation, residue mobility, and thermodynamic stability) has been performed at Invitae for this missense variant, however the output from this modeling did not meet the statistical confidence thresholds required to predict the impact of this variant on CLCN1 protein function. Experimental studies have shown that this missense change affects CLCN1 function (PMID: 29935101, 34529042). In summary, the available evidence is currently insufficient to determine the role of this variant in disease. Therefore, it has been classified as a Variant of Uncertain Significance.

Literature cited by the submitters: PubMed 34529042 (cited by Women's Health and Genetics/Laboratory Corporation of America, LabCorp and Labcorp Genetics (formerly Invitae), Labcorp); PubMed 36796140 (cited by Women's Health and Genetics/Laboratory Corporation of America, LabCorp); PubMed 17932099 (cited by Women's Health and Genetics/Laboratory Corporation of America, LabCorp and Labcorp Genetics (formerly Invitae), Labcorp); PubMed 29935101 (cited by Women's Health and Genetics/Laboratory Corporation of America, LabCorp and Labcorp Genetics (formerly Invitae), Labcorp).